The following is an entry in ClinVar:

ClinVar aggregate classification (germline): Conflicting classifications of pathogenicity. Review status: criteria provided, conflicting classifications (1 of 4 stars). 2 submissions from 2 submitters: Uncertain significance (1); Likely benign (1). Last evaluated 2026-04-24.

Conditions:
CREBBP-related disorder. Also called: CREBBP-related condition; CREBBP-related disorders.
Rubinstein-Taybi syndrome (RSTS). Identifiers: Orphanet 783, MedGen C0035934, MONDO:0019188.

gnomAD v4.1: 9 of 1,604,094 alleles (0.00056%); highest among the groups gnomAD compares: Admixed American, 0.0017%; no homozygotes.

Submissions (2):

PreventionGenetics, part of Exact Sciences
Classification: Uncertain significance for CREBBP-related condition. Last evaluated: 2026-04-24. Review status: criteria provided, single submitter. Criteria: ACMG Guidelines, 2015. Collection method: clinical testing. Allele origin: germline.
Comment: The CREBBP c.3829C>T variant is predicted to result in the amino acid substitution p.Pro1277Ser. To our knowledge, this variant has not been reported in the literature. This variant is reported in 0.0029% of alleles in individuals of Latino descent in gnomAD. At this time, the clinical significance of this variant is uncertain due to the absence of conclusive functional and genetic evidence.

Labcorp Genetics (formerly Invitae), Labcorp
Classification: Likely benign for Rubinstein-Taybi syndrome. Last evaluated: 2024-11-11. Review status: criteria provided, single submitter. Criteria: Invitae Variant Classification Sherloc (09022015). Collection method: clinical testing. Allele origin: germline.

NM_004380.3(CREBBP):c.3829C>T (p.Pro1277Ser)

Gene: CREBBP (CREB binding lysine acetyltransferase; minus strand). Cytogenetic location: 16p13.3.
Variant type: single nucleotide variant.
Coding change: c.3829C>T on transcript NM_004380.3 (MANE Select); coding-DNA position 3829, C replaced by T.
Protein change: p.Pro1277Ser; replaces proline 1277 with serine.
Molecular consequence: missense variant.
Genome position (GRCh38, 1-based): chr16:3,749,634, G>A on the plus strand (C>T on the coding strand, the complement: CREBBP is on the minus strand). VCF-style: chr16-3749634-G-A. GRCh37 (hg19) VCF-style: chr16-3799635-G-A.
Other names: c.3715C>T, p.Pro1239Ser (NM_001079846.1); c.3829C>T (NM_004380.2); short protein forms P1277S, P1239S.
Identifiers: ClinVar variation 3691146 (VCV003691146.3).